The following is an entry in ClinVar:

ClinVar aggregate classification (germline): Uncertain significance (1 of 4 stars; one submission).

Conditions:
Neuronal ceroid lipofuscinosis 1 (CLN1). Also called: CEROID LIPOFUSCINOSIS, NEURONAL, 1, VARIABLE AGE AT ONSET; PPT1-Related Neuronal Ceroid-Lipofuscinosis. Identifiers: Orphanet 228329, MedGen C1850451, MONDO:0009744, OMIM 256730.

Submission:

Labcorp Genetics (formerly Invitae), Labcorp
Classification: Uncertain significance for Neuronal ceroid lipofuscinosis 1. Last evaluated: 2022-04-01. Review status: criteria provided, single submitter. Criteria: Invitae Variant Classification Sherloc (09022015). Collection method: clinical testing. Allele origin: germline.
Comment: In summary, the available evidence is currently insufficient to determine the role of this variant in disease. Therefore, it has been classified as a Variant of Uncertain Significance. Advanced modeling of protein sequence and biophysical properties (such as structural, functional, and spatial information, amino acid conservation, physicochemical variation, residue mobility, and thermodynamic stability) performed at Invitae indicates that this missense variant is expected to disrupt PPT1 protein function. This variant has not been reported in the literature in individuals affected with PPT1-related conditions. This variant is not present in population databases (gnomAD no frequency). This sequence change replaces glycine, which is neutral and non-polar, with valine, which is neutral and non-polar, at codon 148 of the PPT1 protein (p.Gly148Val).

NM_000310.4(PPT1):c.443G>T (p.Gly148Val)

Gene: PPT1 (palmitoyl-protein thioesterase 1; minus strand). Cytogenetic location: 1p34.2.
Variant type: single nucleotide variant.
Coding change: c.443G>T on transcript NM_000310.4 (MANE Select); coding-DNA position 443, G replaced by T.
Protein change: p.Gly148Val; replaces glycine 148 with valine.
Molecular consequence: missense variant.
Genome position (GRCh38, 1-based): chr1:40,089,503, C>A on the plus strand (G>T on the coding strand, the complement: PPT1 is on the minus strand). VCF-style: chr1-40089503-C-A. GRCh37 (hg19) VCF-style: chr1-40555175-C-A.
Other names: c.134G>T, p.Gly45Val (NM_001142604.2); c.443G>T, p.Gly148Val (NM_001363695.2); short protein forms G45V, G148V.
Identifiers: ClinVar variation 2120510 (VCV002120510.4), dbSNP rs2523675772, ClinGen allele CA339848764.
Genomic context (GRCh38, chr1:40,089,503, plus strand): 5'-TTCAGTGTTTTTCGGATGAAGTCACAGATGTGAGAGCTCTCTCCTGGGCATCGAGGGAGT[C>A]CAAAAACACCTACAGTGGTAGATGACAAATATCCACTCCTTCAATAATGATGTATCGAAT-3'
Protein context (NP_000301.1, residues 138-158): SVGGQHQGVF[Gly148Val]LPRCPGESSH